The following is an entry in ClinVar:

ClinVar aggregate classification (germline): Uncertain significance (1 of 4 stars; one submission).

Conditions:
Chuvash polycythemia. Also called: POLYCYTHEMIA, VHL-DEPENDENT. Identifiers: Orphanet 238557, MedGen C1837915, MONDO:0009892, OMIM 263400.
Von Hippel-Lindau syndrome (VHLS). Also called: VHL syndrome; Von Hippel-Lindau; von Hippel–Lindau syndrome. Identifiers: Orphanet 892, MedGen C0019562, MONDO:0008667, OMIM 193300. Disease mechanism: loss of function.

Submission:

Labcorp Genetics (formerly Invitae), Labcorp
Classification: Uncertain significance for Von Hippel-Lindau syndrome; Chuvash polycythemia. Last evaluated: 2024-08-14. Review status: criteria provided, single submitter. Criteria: Invitae Variant Classification Sherloc (09022015). Collection method: clinical testing. Allele origin: germline.
Comment: This sequence change falls in intron 1 of the VHL gene. It is not expected to change the encoded amino acid sequence of the VHL protein. However, this sequence change falls within a cryptic exon in the VHL gene, known as exon E1’, which is naturally expressed at low levels in several human tissues (PMID: 29891534). This variant is not present in population databases (gnomAD no frequency). This variant has not been reported in the literature in individuals affected with VHL-related conditions. ClinVar contains an entry for this variant (Variation ID: 999953). Algorithms developed to predict the effect of sequence changes on RNA splicing suggest that this variant is not likely to affect RNA splicing. In summary, the available evidence is currently insufficient to determine the role of this variant in disease. Therefore, it has been classified as a Variant of Uncertain Significance.

Literature cited by the submitters: PubMed 29891534.

NM_000551.4(VHL):c.340+701G>C

Genes: VHL (von Hippel-Lindau tumor suppressor; plus strand), LOC107303340 (3p25 von Hippel-Lindau tumor suppressor, E3 ubiquitin protein ligase Alu-mediated recombination region; plus strand). Cytogenetic location: 3p25.3.
Variant type: single nucleotide variant.
Coding change: c.340+701G>C on transcript NM_000551.4 (MANE Select); 701 bases into the intron after coding-DNA position 340, G replaced by C.
Molecular consequence: intron variant. On other transcripts: missense variant (1).
Genome position (GRCh38, 1-based): chr3:10,142,888, G>C. VCF-style: chr3-10142888-G-C. GRCh37 (hg19) VCF-style: chr3-10184572-G-C.
Other names: c.466G>C, p.Asp156His (NM_001354723.2); c.340+701G>C (NM_198156.3); short protein forms D156H.
Identifiers: ClinVar variation 999953 (VCV000999953.11), dbSNP rs1039517619, ClinGen allele CA1345067353.